The following is an entry in ClinVar:

ClinVar aggregate classification (germline): Likely pathogenic (1 of 4 stars; one submission).

Conditions:
PAX9-related disorder. Also called: PAX9-related condition.

Submission:

PreventionGenetics, part of Exact Sciences
Classification: Likely pathogenic for PAX9-related condition. Last evaluated: 2023-01-30. Review status: criteria provided, single submitter. Criteria: ACMG Guidelines, 2015. Collection method: clinical testing. Allele origin: germline.
Comment: The PAX9 c.508_511dupGCCG variant is predicted to result in a frameshift and premature protein termination (p.Ala171Glyfs*147). To our knowledge, this variant has not been reported in the literature or in a large population database, indicating this variant is rare. Frameshift variants in PAX9 are expected to be pathogenic. This variant is interpreted as likely pathogenic.

NM_001372076.1(PAX9):c.508_511dup (p.Ala171fs)

Gene: PAX9 (paired box 9; plus strand). Cytogenetic location: 14q13.3.
Variant type: Duplication.
Coding change: c.508_511dup on transcript NM_001372076.1 (MANE Select); coding-DNA positions 508 to 511, 4 bases duplicated (GCCG; older notation c.508_511dupGCCG).
Protein change: p.Ala171fs; shifts the reading frame from alanine 171.
Molecular consequence: frameshift variant.
Genome position (GRCh38, 1-based): chr14:36,663,400-36,663,403, GCCG duplicated; duplicating any 4 consecutive bases within chr14:36,663,398-36,663,403 gives the same sequence; the c. name uses the placement nearest the transcript's 3' end. VCF-style (leftmost placement, unchanged base first): chr14-36663397-G-GCGGC. GRCh37 (hg19) VCF-style: chr14-37132602-G-GCGGC.
Other names: c.508_511dup, p.Ala171fs (NM_006194.4); short protein forms A171fs.
Identifiers: ClinVar variation 2630589 (VCV002630589.1), dbSNP rs2502238740, ClinGen allele CA2695199818.